The following is an entry in ClinVar:

NM_130384.3(ATRIP):c.2161C>T (p.Arg721Trp)

Genes: ATRIP (ATR interacting protein; plus strand), ATRIP-TREX1 (ATRIP-TREX1 readthrough; plus strand). Cytogenetic location: 3p21.31.
Variant type: single nucleotide variant.
Coding change: c.2161C>T on transcript NM_130384.3 (MANE Select); coding-DNA position 2161, C replaced by T.
Protein change: p.Arg721Trp; replaces arginine 721 with tryptophan.
Molecular consequence: missense variant. On other transcripts: non-coding transcript variant (1).
Genome position (GRCh38, 1-based): chr3:48,464,936, C>T. VCF-style: chr3-48464936-C-T. GRCh37 (hg19) VCF-style: chr3-48506335-C-T.
Other names: c.1780C>T, p.Arg594Trp (NM_001271022.2); c.1882C>T, p.Arg628Trp (NM_001271023.2); c.2080C>T, p.Arg694Trp (NM_032166.4); short protein forms R628W, R694W, R721W, R594W.
Identifiers: ClinVar variation 2240751 (VCV002240751.5), dbSNP rs752926281, ClinGen allele CA2376416.

ClinVar aggregate classification (germline): Uncertain significance. Review status: criteria provided, multiple submitters, no conflicts (2 of 4 stars). 2 submissions from 2 submitters: Uncertain significance (2). Last evaluated 2024-11-26.

Allele frequency attached by ClinVar (database versions not stated): gnomAD 0.00001; gnomAD exomes 0.00001; ExAC 0.00002; TOPMed 0.00002.
gnomAD v4.1: 14 of 1,614,034 alleles (0.00087%); highest among the groups gnomAD compares: African/African-American, 0.0013%; no homozygotes.

Submissions (2):

Ambry Genetics
Classification: Uncertain significance. Last evaluated: 2024-11-26. Review status: criteria provided, single submitter. Criteria: Ambry Variant Classification Scheme 2023. Collection method: clinical testing. Allele origin: germline.
Comment: The p.R721W variant (also known as c.2161C>T), located in coding exon 12 of the ATRIP gene, results from a C to T substitution at nucleotide position 2161. The arginine at codon 721 is replaced by tryptophan, an amino acid with dissimilar properties. This amino acid position is conserved. In addition, this alteration is predicted to be deleterious by in silico analysis. Based on the available evidence, the clinical significance of this variant remains unclear.

Labcorp Genetics (formerly Invitae), Labcorp
Classification: Uncertain significance. Last evaluated: 2024-11-18. Review status: criteria provided, single submitter. Criteria: Invitae Variant Classification Sherloc (09022015). Collection method: clinical testing. Allele origin: germline.
Comment: This sequence change replaces arginine, which is basic and polar, with tryptophan, which is neutral and slightly polar, at codon 721 of the ATRIP protein (p.Arg721Trp). This variant is present in population databases (rs752926281, gnomAD 0.003%). This variant has not been reported in the literature in individuals affected with ATRIP-related conditions. ClinVar contains an entry for this variant (Variation ID: 2240751). An algorithm developed to predict the effect of missense changes on protein structure and function (PolyPhen-2) suggests that this variant is likely to be disruptive. In summary, the available evidence is currently insufficient to determine the role of this variant in disease. Therefore, it has been classified as a Variant of Uncertain Significance.